The following is an entry in ClinVar:

NM_173076.3(ABCA12):c.7172G>T (p.Ser2391Ile)

Genes: ABCA12 (ATP binding cassette subfamily A member 12; minus strand), SNHG31 (small nucleolar RNA host gene 31; plus strand). Cytogenetic location: 2q35.
Variant type: single nucleotide variant.
Coding change: c.7172G>T on transcript NM_173076.3 (MANE Select); coding-DNA position 7172, G replaced by T.
Protein change: p.Ser2391Ile; replaces serine 2391 with isoleucine.
Molecular consequence: missense variant. On other transcripts: non-coding transcript variant (1).
Genome position (GRCh38, 1-based): chr2:214,947,489, C>A on the plus strand (G>T on the coding strand, the complement: ABCA12 is on the minus strand). VCF-style: chr2-214947489-C-A. GRCh37 (hg19) VCF-style: chr2-215812213-C-A.
Other names: c.6218G>T, p.Ser2073Ile (NM_015657.4); short protein forms S2073I, S2391I.
Identifiers: ClinVar variation 1708702 (VCV001708702.2), dbSNP rs1085308032, ClinGen allele CA350793934.
Genomic context (GRCh38, chr2:214,947,489, plus strand): 5'-AGAATGGAAGGTTTCCCTATCAAGGCCAGTGCAGTGGATAATTTTCTTTTTGTGCCATAA[C>A]TGCACATAGAGGTAGCTCTGTCCTTGAAGGGCATCAGGTGAAGTCTCCTAAGGAGTTTAT-3'
Protein context (NP_775099.2, residues 2381-2401): PFKDRATSMC[Ser2391Ile]YGTKRKLSTA

ClinVar aggregate classification (germline): Likely pathogenic (1 of 4 stars; one submission).

Submission:

GeneDx
Classification: Likely pathogenic. Last evaluated: 2022-06-29. Review status: criteria provided, single submitter. Criteria: GeneDx Variant Classification Process June 2021. Collection method: clinical testing. Allele origin: germline. Affected: yes.
Comment: Not observed at significant frequency in large population cohorts (gnomAD); In silico analysis supports that this missense variant has a deleterious effect on protein structure/function; Has not been previously published as pathogenic or benign to our knowledge